The following is an entry in ClinVar:

ClinVar aggregate classification (germline): Uncertain significance. Review status: criteria provided, single submitter (1 of 4 stars). 2 submissions from 2 submitters: Uncertain significance (1). 1 of the submissions does not count toward it. Last evaluated 2024-10-16.

Conditions:
Retinal dystrophy. Also called: Inherited retinal dystrophy. Identifiers: Orphanet 71862, MedGen C0854723, MeSH D058499, MONDO:0019118, HP:0000556.

gnomAD v4.1: 12 of 1,611,130 alleles (0.00074%); highest among the groups gnomAD compares: Non-Finnish European, 0.001%; no homozygotes.

Submissions (2):

Labcorp Genetics (formerly Invitae), Labcorp
Classification: Uncertain significance. Last evaluated: 2024-10-16. Review status: criteria provided, single submitter. Criteria: Invitae Variant Classification Sherloc (09022015). Collection method: clinical testing. Allele origin: germline.
Comment: This sequence change replaces arginine, which is basic and polar, with leucine, which is neutral and non-polar, at codon 687 of the MERTK protein (p.Arg687Leu). This variant is not present in population databases (gnomAD no frequency). This missense change has been observed in individual(s) with retinitis pigmentosa (PMID: 30718709, 33353011, 36819107). ClinVar contains an entry for this variant (Variation ID: 636180). Invitae Evidence Modeling of protein sequence and biophysical properties (such as structural, functional, and spatial information, amino acid conservation, physicochemical variation, residue mobility, and thermodynamic stability) indicates that this missense variant is expected to disrupt MERTK protein function with a positive predictive value of 80%. Algorithms developed to predict the effect of sequence changes on RNA splicing suggest that this variant may disrupt the consensus splice site. In summary, the available evidence is currently insufficient to determine the role of this variant in disease. Therefore, it has been classified as a Variant of Uncertain Significance.

Department of Clinical Genetics, Copenhagen University Hospital, Rigshospitalet
Classification: Uncertain significance for Retinal dystrophy. Last evaluated: 2018-04-01. Review status: no assertion criteria provided. Collection method: research. Allele origin: unknown. Affected: yes. Study: VeluxRD. Not counted in ClinVar's aggregate classification.

Literature cited by the submitters: PubMed 30718709 (cited by Labcorp Genetics (formerly Invitae), Labcorp and Department of Clinical Genetics, Copenhagen University Hospital, Rigshospitalet); PubMed 33353011 (cited by Labcorp Genetics (formerly Invitae), Labcorp); PubMed 36819107 (cited by Labcorp Genetics (formerly Invitae), Labcorp).

NM_006343.3(MERTK):c.2060G>T (p.Arg687Leu)

Gene: MERTK (MER proto-oncogene, tyrosine kinase; plus strand). Cytogenetic location: 2q13.
Variant type: single nucleotide variant.
Coding change: c.2060G>T on transcript NM_006343.3 (MANE Select); coding-DNA position 2060, G replaced by T.
Protein change: p.Arg687Leu; replaces arginine 687 with leucine.
Molecular consequence: missense variant.
Genome position (GRCh38, 1-based): chr2:112,010,047, G>T. VCF-style: chr2-112010047-G-T. GRCh37 (hg19) VCF-style: chr2-112767624-G-T.
Other names: short protein forms R687L.
Identifiers: ClinVar variation 636180 (VCV000636180.8), dbSNP rs775443181, ClinGen allele CA348234200.